The following is an entry in ClinVar:

NM_001384140.1(PCDH15):c.1103A>G (p.Glu368Gly)

Gene: PCDH15 (protocadherin related 15; minus strand). Cytogenetic location: 10q21.1.
Variant type: single nucleotide variant.
Coding change: c.1103A>G on transcript NM_001384140.1 (MANE Select); coding-DNA position 1103, A replaced by G.
Protein change: p.Glu368Gly; replaces glutamic acid 368 with glycine.
Molecular consequence: missense variant.
Genome position (GRCh38, 1-based): chr10:54,195,885, T>C on the plus strand (A>G on the coding strand, the complement: PCDH15 is on the minus strand). VCF-style: chr10-54195885-T-C. GRCh37 (hg19) VCF-style: chr10-55955645-T-C.
Other names: c.1118A>G, p.Glu373Gly (NM_001142763.2, NM_001142769.4, NM_001142771.2); c.1103A>G, p.Glu368Gly (NM_001142764.2, NM_001142765.2, NM_001142766.2 and 7 more transcripts); c.992A>G, p.Glu331Gly (NM_001142767.2); c.1037A>G, p.Glu346Gly (NM_001142768.2, NM_001142773.2, NM_001354404.2); short protein forms E331G, E346G, E368G, E373G.
Identifiers: ClinVar variation 2111039 (VCV002111039.4), dbSNP rs1452106027, ClinGen allele CA376519842.

ClinVar aggregate classification (germline): Uncertain significance (1 of 4 stars; one submission).

Submission:

Labcorp Genetics (formerly Invitae), Labcorp
Classification: Uncertain significance. Last evaluated: 2022-05-27. Review status: criteria provided, single submitter. Criteria: Invitae Variant Classification Sherloc (09022015). Collection method: clinical testing. Allele origin: germline.
Comment: In summary, the available evidence is currently insufficient to determine the role of this variant in disease. Therefore, it has been classified as a Variant of Uncertain Significance. Algorithms developed to predict the effect of missense changes on protein structure and function are either unavailable or do not agree on the potential impact of this missense change (SIFT: "Deleterious"; PolyPhen-2: "Probably Damaging"; Align-GVGD: "Class C0"). This variant has not been reported in the literature in individuals affected with PCDH15-related conditions. This variant is not present in population databases (gnomAD no frequency). This sequence change replaces glutamic acid, which is acidic and polar, with glycine, which is neutral and non-polar, at codon 368 of the PCDH15 protein (p.Glu368Gly).